The following is an entry in ClinVar:

GRCh38/hg38 10q26.13-26.3(chr10:123307835-133620674)x1

Genes: LRRC27 (leucine rich repeat containing 27; plus strand), MGMT (O-6-methylguanine-DNA methyltransferase; plus strand), MIR202 (microRNA 202; minus strand), MIR202HG (MIR202 host gene; minus strand), MIR378C (microRNA 378c; minus strand) and 332 more. Cytogenetic location: 10q26.13-26.3.
Variant type: copy number loss.
Change: copy number 1 (one copy instead of two) of chr10:123,307,835-133,620,674 (10.31 Mb, GRCh38 coordinates, 1-based), cytogenetic band 10q26.13-26.3.
Identifiers: ClinVar variation 57447 (VCV000057447.1).

ClinVar aggregate classification (germline): Pathogenic (1 of 4 stars; one submission).

Submission:

ISCA site 4
Classification: Pathogenic. Last evaluated: 2011-08-12. Review status: criteria provided, single submitter. Criteria: Kaminsky et al. (Genet Med. 2011). Collection method: clinical testing. Allele origin: unknown. Affected: yes. Observed: 1 variant allele.
Comment: Copy number variation identified through the course of routine clinical cytogenomic testing in postnatal populations. Clinical assertions have been curated as described in Kaminsky et al. 2011.